The following is an entry in ClinVar:

ClinVar aggregate classification (germline): Uncertain significance. Review status: criteria provided, multiple submitters, no conflicts (2 of 4 stars). 3 submissions from 3 submitters: Uncertain significance (3). Last evaluated 2024-03-12.

Conditions:
Long QT syndrome (LQTS). Identifiers: MedGen C0023976, MeSH D008133, MONDO:0002442. Disease mechanism: loss of function. Inheritance: Various modes of inheritance.
Cardiovascular phenotype. Identifiers: MedGen CN230736.

Submissions (3):

Ambry Genetics
Classification: Uncertain significance for Cardiovascular phenotype. Last evaluated: 2024-03-12. Review status: criteria provided, single submitter. Criteria: Ambry Variant Classification Scheme 2023. Collection method: clinical testing. Allele origin: germline.
Comment: The c.304dupA variant, located in coding exon 1 of the SNTA1 gene, results from a duplication of A at nucleotide position 304, causing a translational frameshift with a predicted alternate stop codon (p.I102Nfs*23). This alteration is expected to result in loss of function by premature protein truncation or nonsense-mediated mRNA decay. However, loss of function of SNTA1 has not been clearly established as a mechanism of disease. The evidence for this gene-disease relationship is limited; therefore, the clinical significance of this alteration is unclear.

Labcorp Genetics (formerly Invitae), Labcorp
Classification: Uncertain significance for Long QT syndrome. Last evaluated: 2023-06-05. Review status: criteria provided, single submitter. Criteria: Invitae Variant Classification Sherloc (09022015). Collection method: clinical testing. Allele origin: germline.
Comment: In summary, the available evidence is currently insufficient to determine the role of this variant in disease. Therefore, it has been classified as a Variant of Uncertain Significance. ClinVar contains an entry for this variant (Variation ID: 1799247). This variant has not been reported in the literature in individuals affected with SNTA1-related conditions. This variant is not present in population databases (gnomAD no frequency). This sequence change creates a premature translational stop signal (p.Ile102Asnfs*23) in the SNTA1 gene. It is expected to result in an absent or disrupted protein product. However, the current clinical and genetic evidence is not sufficient to establish whether loss-of-function variants in SNTA1 cause disease.

GeneDx
Classification: Uncertain significance. Last evaluated: 2022-08-05. Review status: criteria provided, single submitter. Criteria: GeneDx Variant Classification Process June 2021. Collection method: clinical testing. Allele origin: germline. Affected: yes.
Comment: Has not been previously published as pathogenic or benign to our knowledge; Not observed at significant frequency in large population cohorts (gnomAD); Frameshift variant predicted to result in protein truncation or nonsense mediated decay in a gene or region of a gene for which loss of function is not a well-established mechanism of disease

NM_003098.3(SNTA1):c.304dup (p.Ile102fs)

Genes: SNTA1 (syntrophin alpha 1; minus strand), LOC130065679 (ATAC-STARR-seq lymphoblastoid silent region 12811; plus strand). Cytogenetic location: 20q11.21.
Variant type: Duplication.
Coding change: c.304dup on transcript NM_003098.3 (MANE Select); coding-DNA position 304, one base duplicated (A; older notation c.304dupA).
Protein change: p.Ile102fs; shifts the reading frame from isoleucine 102.
Molecular consequence: frameshift variant.
Genome position (GRCh38, 1-based): chr20:33,443,317, T duplicated on the plus strand (A on the coding strand, the reverse complement: SNTA1 is on the minus strand). VCF-style (leftmost placement, unchanged base first): chr20-33443316-A-AT. GRCh37 (hg19) VCF-style: chr20-32031122-A-AT.
Other names: c.304dupA (NM_003098.2); short protein forms I102fs.
Identifiers: ClinVar variation 1799247 (VCV001799247.9), dbSNP rs2515129587, ClinGen allele CA2580098082.